The following is an entry in ClinVar:

NM_000135.4(FANCA):c.1543A>G (p.Lys515Glu)

Gene: FANCA (FA complementation group A; minus strand). Cytogenetic location: 16q24.3.
Variant type: single nucleotide variant.
Coding change: c.1543A>G on transcript NM_000135.4 (MANE Select); coding-DNA position 1543, A replaced by G.
Protein change: p.Lys515Glu; replaces lysine 515 with glutamic acid.
Molecular consequence: missense variant.
Genome position (GRCh38, 1-based): chr16:89,783,030, T>C on the plus strand (A>G on the coding strand, the complement: FANCA is on the minus strand). VCF-style: chr16-89783030-T-C. GRCh37 (hg19) VCF-style: chr16-89849438-T-C.
Other names: c.1543A>G, p.Lys515Glu (NM_001286167.3); short protein forms K515E.
Identifiers: ClinVar variation 4022301 (VCV004022301.1).

ClinVar aggregate classification (germline): Uncertain significance (1 of 4 stars; one submission).

Conditions:
Inborn genetic diseases. Identifiers: MedGen C0950123, MeSH D030342.

gnomAD v4.1: 1 of 1,614,082 alleles (0.000062%); highest among the groups gnomAD compares: African/African-American, 0.0013%; no homozygotes.

Submission:

Ambry Genetics
Classification: Uncertain significance for Inborn genetic diseases. Last evaluated: 2025-05-22. Review status: criteria provided, single submitter. Criteria: Ambry Variant Classification Scheme 2023. Collection method: clinical testing. Allele origin: germline.
Comment: The p.K515E variant (also known as c.1543A>G), located in coding exon 16 of the FANCA gene, results from an A to G substitution at nucleotide position 1543. The lysine at codon 515 is replaced by glutamic acid, an amino acid with similar properties. This amino acid position is conserved. In addition, the in silico prediction for this alteration is inconclusive. Based on the available evidence, the clinical significance of this variant remains unclear.